The following is an entry in ClinVar:

ClinVar aggregate classification (germline): Uncertain significance (1 of 4 stars; one submission).

Conditions:
Hereditary breast ovarian cancer syndrome. Also called: BRCA1- and BRCA2-Associated Hereditary Breast and Ovarian Cancer; Hereditary breast and ovarian cancer; Hereditary breast and ovarian cancer syndrome (HBOC); Hereditary breast and/or ovarian cancer syndrome; Hereditary breast and ovarian cancer syndrome; Breast and ovarian cancer. Identifiers: Orphanet 145, MedGen C0677776, MeSH D061325, MONDO:0003582. Disease mechanism: loss of function.

Allele frequency attached by ClinVar (database versions not stated): gnomAD exomes 0.00001.
gnomAD v4.1: 3 of 1,612,410 alleles (0.00019%); highest among the groups gnomAD compares: East Asian, 0.0067%; no homozygotes.

Submission:

Labcorp Genetics (formerly Invitae), Labcorp
Classification: Uncertain significance for Hereditary breast ovarian cancer syndrome. Last evaluated: 2024-10-12. Review status: criteria provided, single submitter. Criteria: Invitae Variant Classification Sherloc (09022015). Collection method: clinical testing. Allele origin: germline.
Comment: This sequence change replaces valine, which is neutral and non-polar, with isoleucine, which is neutral and non-polar, at codon 3081 of the BRCA2 protein (p.Val3081Ile). This variant is not present in population databases (gnomAD no frequency). This missense change has been observed in individual(s) with breast or ovarian cancer (PMID: 30287823, 31907386). Invitae Evidence Modeling of protein sequence and biophysical properties (such as structural, functional, and spatial information, amino acid conservation, physicochemical variation, residue mobility, and thermodynamic stability) indicates that this missense variant is not expected to disrupt BRCA2 protein function with a negative predictive value of 95%. In summary, the available evidence is currently insufficient to determine the role of this variant in disease. Therefore, it has been classified as a Variant of Uncertain Significance.

Literature cited by the submitters: PubMed 30287823; PubMed 31907386.

NM_000059.4(BRCA2):c.9241G>A (p.Val3081Ile)

Gene: BRCA2 (BRCA2 DNA repair associated; plus strand). Cytogenetic location: 13q13.1.
Variant type: single nucleotide variant.
Coding change: c.9241G>A on transcript NM_000059.4 (MANE Select); coding-DNA position 9241, G replaced by A.
Protein change: p.Val3081Ile; replaces valine 3081 with isoleucine.
Molecular consequence: missense variant. On other transcripts: non-coding transcript variant (1).
Genome position (GRCh38, 1-based): chr13:32,380,130, G>A. VCF-style: chr13-32380130-G-A. GRCh37 (hg19) VCF-style: chr13-32954267-G-A.
Other names: c.9145G>A, p.Val3049Ile (NM_001406719.1); c.9190G>A, p.Val3064Ile (NM_001406720.1); c.4309G>A, p.Val1437Ile (NM_001406721.1); c.2824G>A, p.Val942Ile (NM_001406722.1); short protein forms V3064I, V3049I, V3081I, V1437I, V942I.
Identifiers: ClinVar variation 2915486 (VCV002915486.3), dbSNP rs879255472, ClinGen allele CA387758616.
Genomic context (GRCh38, chr13:32,380,130, plus strand): 5'-TTAGATCCAGACTTTCAGCCATCTTGTTCTGAGGTGGACCTAATAGGATTTGTCGTTTCT[G>A]TTGTGAAAAAAACAGGTAATGCACAATATAGTTAATTTTTTTTATTGATTCTTTTAAAAA-3'
Protein context (NP_000050.3, residues 3071-3091): EVDLIGFVVS[Val3081Ile]VKKTGLAPFV